The following is an entry in ClinVar:

ClinVar aggregate classification (germline): Likely benign. Review status: criteria provided, multiple submitters, no conflicts (2 of 4 stars). 4 submissions from 4 submitters: Likely benign (3). 1 of the submissions does not count toward it. Last evaluated 2025-08-30.

Conditions:
Hereditary cancer-predisposing syndrome. Also called: Neoplastic Syndromes, Hereditary; Hereditary Cancer Syndrome; Tumor predisposition; Hereditary neoplastic syndrome. Identifiers: Orphanet 140162, MedGen C0027672, MeSH D009386, MONDO:0015356.
BRCA2-related disorder. Also called: BRCA2-related condition; BRCA2-related disorders. Identifiers: MedGen CN239275.

Allele frequency attached by ClinVar (database versions not stated): gnomAD exomes below 0.00001.
gnomAD v4.1: 1 of 1,614,146 alleles (0.000062%); highest among the groups gnomAD compares: Non-Finnish European, 0.000085%; no homozygotes.

Submissions (4):

Color Diagnostics, LLC DBA Color Health
Classification: Likely benign for Hereditary cancer-predisposing syndrome. Last evaluated: 2025-08-30. Review status: criteria provided, single submitter. Criteria: ACMG Guidelines, 2015. Collection method: clinical testing. Allele origin: germline.

Ambry Genetics
Classification: Likely benign for Hereditary cancer-predisposing syndrome. Last evaluated: 2025-06-23. Review status: criteria provided, single submitter. Criteria: Ambry Variant Classification Scheme 2023. Collection method: clinical testing. Allele origin: germline.

Women's Health and Genetics/Laboratory Corporation of America, LabCorp
Classification: Likely benign. Last evaluated: 2019-07-18. Review status: criteria provided, single submitter. Criteria: LabCorp Variant Classification Summary - May 2015. Collection method: clinical testing. Allele origin: germline.

PreventionGenetics, part of Exact Sciences
Classification: Likely benign for BRCA2-related condition. Last evaluated: 2022-04-21. Review status: no assertion criteria provided. Collection method: clinical testing. Allele origin: germline. Not counted in ClinVar's aggregate classification.
Comment: This variant is classified as likely benign based on ACMG/AMP sequence variant interpretation guidelines (Richards et al. 2015 PMID: 25741868, with internal and published modifications).

NM_000059.4(BRCA2):c.7938C>T (p.Cys2646=)

Gene: BRCA2 (BRCA2 DNA repair associated; plus strand). Cytogenetic location: 13q13.1.
Variant type: single nucleotide variant.
Coding change: c.7938C>T on transcript NM_000059.4 (MANE Select); coding-DNA position 7938, C replaced by T.
Protein change: p.Cys2646=; no amino-acid change (cysteine 2646 retained).
Molecular consequence: synonymous variant.
Genome position (GRCh38, 1-based): chr13:32,362,655, C>T. VCF-style: chr13-32362655-C-T. GRCh37 (hg19) VCF-style: chr13-32936792-C-T.
Identifiers: ClinVar variation 928794 (VCV000928794.5), dbSNP rs1064794927, ClinGen allele CA483261000.
Genomic context (GRCh38, chr13:32,362,655, plus strand): 5'-GATCATATGGAAACTGGCAGCTATGGAATGTGCCTTTCCTAAGGAATTTGCTAATAGATG[C>T]CTAAGCCCAGAAAGGGTGCTTCTTCAACTAAAATACAGGCAAGTTTAAAGCATTACATTA-3'
Protein context (NP_000050.3, residues 2636-2656): CAFPKEFANR[Cys2646=]LSPERVLLQL